The following is an entry in ClinVar:

ClinVar aggregate classification (germline): Uncertain significance (1 of 4 stars; one submission).

gnomAD v4.1: 1 of 1,614,192 alleles (0.000062%); highest among the groups gnomAD compares: Non-Finnish European, 0.000085%; no homozygotes.

Submission:

Ambry Genetics
Classification: Uncertain significance. Last evaluated: 2022-07-06. Review status: criteria provided, single submitter. Criteria: Ambry Variant Classification Scheme 2023. Collection method: clinical testing. Allele origin: germline.
Comment: The p.M301L variant (also known as c.901A>T), located in coding exon 9 of the ILK gene, results from an A to T substitution at nucleotide position 901. The methionine at codon 301 is replaced by leucine, an amino acid with highly similar properties. This amino acid position is conserved. In addition, the in silico prediction for this alteration is inconclusive. Since supporting evidence is limited at this time, the clinical significance of this alteration remains unclear.

NM_004517.4(ILK):c.901A>T (p.Met301Leu)

Genes: ILK (integrin linked kinase; plus strand), TAF10 (TATA-box binding protein associated factor 10; minus strand). Cytogenetic location: 11p15.4.
Variant type: single nucleotide variant.
Coding change: c.901A>T on transcript NM_004517.4 (MANE Select); coding-DNA position 901, A replaced by T.
Protein change: p.Met301Leu; replaces methionine 301 with leucine.
Molecular consequence: missense variant. On other transcripts: 3 prime UTR variant (1).
Genome position (GRCh38, 1-based): chr11:6,609,768, A>T. VCF-style: chr11-6609768-A-T. GRCh37 (hg19) VCF-style: chr11-6630999-A-T.
Other names: c.901A>T, p.Met301Leu (NM_001014794.3, NM_001014795.3); c.718A>T, p.Met240Leu (NM_001278441.2); c.499A>T, p.Met167Leu (NM_001278442.2); c.*1154T>A (NM_006284.4); short protein forms M167L, M240L, M301L.
Identifiers: ClinVar variation 1765491 (VCV001765491.2), dbSNP rs1339432987, ClinGen allele CA379465490.